The following is an entry in ClinVar:

ClinVar aggregate classification (germline): Uncertain significance (1 of 4 stars; one submission).

Conditions:
Epidermolysis bullosa simplex 5B, with muscular dystrophy (EBS5B). Also called: Epidermolysis bullosa simplex with muscular dystrophy; EPIDERMOLYSIS BULLOSA SIMPLEX AND LIMB-GIRDLE MUSCULAR DYSTROPHY. Identifiers: Orphanet 257, MedGen C2931072, MONDO:0009181, OMIM 226670.
Epidermolysis bullosa simplex 5C, with pyloric atresia (EBS5C). Also called: Epidermolysis bullosa simplex with pyloric atresia; PLEC-Related Epidermolysis Bullosa with Pyloric Atresia; PLEC1-Related Epidermolysis Bullosa with Pyloric Atresia. Identifiers: Orphanet 158684, MedGen C2677349, MONDO:0012807, OMIM 612138.
Epidermolysis bullosa simplex, Ogna type (EBS5A). Also called: Pidermolysis bullosa simplex 5A, Ogna type; EPIDERMOLYSIS BULLOSA SIMPLEX 5A, OGNA TYPE. Identifiers: Orphanet 79401, MedGen C0432317, MONDO:0007555, OMIM 131950.
Autosomal recessive limb-girdle muscular dystrophy type 2Q (LGMDR17). Also called: MUSCULAR DYSTROPHY, LIMB-GIRDLE, AUTOSOMAL RECESSIVE 17. Identifiers: Orphanet 254361, MedGen C3150989, MONDO:0013390, OMIM 613723.
Epidermolysis bullosa simplex with nail dystrophy (EBS5D). Identifiers: MedGen C4225309, MONDO:0014661, OMIM 616487.

Allele frequency attached by ClinVar (database versions not stated): gnomAD exomes below 0.00001.
gnomAD v4.1: 2 of 1,613,128 alleles (0.00012%); highest among the groups gnomAD compares: South Asian, 0.0011%; no homozygotes.

Submission:

Labcorp Genetics (formerly Invitae), Labcorp
Classification: Uncertain significance for Autosomal recessive limb-girdle muscular dystrophy type 2Q; Epidermolysis bullosa simplex, Ogna type; Epidermolysis bullosa simplex with nail dystrophy; Epidermolysis bullosa simplex 5C, with pyloric atresia; Epidermolysis bullosa simplex 5B, with muscular dystrophy. Last evaluated: 2024-02-26. Review status: criteria provided, single submitter. Criteria: Invitae Variant Classification Sherloc (09022015). Collection method: clinical testing. Allele origin: germline.
Comment: This sequence change replaces glutamine, which is neutral and polar, with arginine, which is basic and polar, at codon 3354 of the PLEC protein (p.Gln3354Arg). This variant is not present in population databases (gnomAD no frequency). This variant has not been reported in the literature in individuals affected with PLEC-related conditions. ClinVar contains an entry for this variant (Variation ID: 1055063). An algorithm developed to predict the effect of missense changes on protein structure and function (PolyPhen-2) suggests that this variant is likely to be disruptive. In summary, the available evidence is currently insufficient to determine the role of this variant in disease. Therefore, it has been classified as a Variant of Uncertain Significance.

NM_201384.3(PLEC):c.9980A>G (p.Gln3327Arg)

Gene: PLEC (plectin; minus strand). Cytogenetic location: 8q24.3.
Variant type: single nucleotide variant.
Coding change: c.9980A>G on transcript NM_201384.3 (MANE Select); coding-DNA position 9980, A replaced by G.
Protein change: p.Gln3327Arg; replaces glutamine 3327 with arginine.
Molecular consequence: missense variant.
Genome position (GRCh38, 1-based): chr8:143,919,841, T>C on the plus strand (A>G on the coding strand, the complement: PLEC is on the minus strand). VCF-style: chr8-143919841-T-C. GRCh37 (hg19) VCF-style: chr8-144994009-T-C.
Other names: c.10061A>G, p.Gln3354Arg (NM_000445.5); c.9938A>G, p.Gln3313Arg (NM_201378.4); c.9914A>G, p.Gln3305Arg (NM_201379.3); c.10391A>G, p.Gln3464Arg (NM_201380.4); c.9884A>G, p.Gln3295Arg (NM_201381.3); c.9980A>G, p.Gln3327Arg (NM_201382.4); c.9992A>G, p.Gln3331Arg (NM_201383.3); short protein forms Q3295R, Q3305R, Q3313R, Q3327R, Q3331R, Q3354R, Q3464R.
Identifiers: ClinVar variation 1055063 (VCV001055063.9), dbSNP rs2131026332, ClinGen allele CA372505270.
Genomic context (GRCh38, chr8:143,919,841, plus strand): 5'-ACGGAGCCCAGCTCCGAAAGGTCCTTGACCGTCGTCTTGCCGTCCTTGAGCTGCTCAAAC[T>C]GGGCTCTGCTGAGGACCCCGGAAGCCAGGAGCTCGCTGGCTGGCACAGGGGCACGGAGGC-3'
Protein context (NP_958786.1, residues 3317-3337): LLASGVLSRA[Gln3327Arg]FEQLKDGKTT